The following is an entry in ClinVar:

ClinVar aggregate classification (germline): Uncertain significance (1 of 4 stars; one submission).

Conditions:
Neuronopathy, distal hereditary motor, autosomal recessive 5. Also called: Spinal muscular atrophy, distal, autosomal recessive, 5; Young adult-onset distal hereditary motor neuropathy; NEUROPATHY, DISTAL HEREDITARY MOTOR, AUTOSOMAL RECESSIVE 5. Identifiers: Orphanet 314485, Orphanet 443950, MedGen C4749918, MONDO:0013947, OMIM 614881.

gnomAD v4.1: 12 of 1,613,262 alleles (0.00074%); highest among the groups gnomAD compares: Admixed American, 0.01%; no homozygotes.

Submission:

Labcorp Genetics (formerly Invitae), Labcorp
Classification: Uncertain significance for Neuronopathy, distal hereditary motor, autosomal recessive 5. Last evaluated: 2024-12-07. Review status: criteria provided, single submitter. Criteria: Invitae Variant Classification Sherloc (09022015). Collection method: clinical testing. Allele origin: germline.
Comment: This sequence change replaces glutamine, which is neutral and polar, with leucine, which is neutral and non-polar, at codon 256 of the DNAJB2 protein (p.Gln256Leu). This variant is present in population databases (rs776440656, gnomAD 0.01%). This variant has not been reported in the literature in individuals affected with DNAJB2-related conditions. Invitae Evidence Modeling of protein sequence and biophysical properties (such as structural, functional, and spatial information, amino acid conservation, physicochemical variation, residue mobility, and thermodynamic stability) indicates that this missense variant is not expected to disrupt DNAJB2 protein function with a negative predictive value of 80%. In summary, the available evidence is currently insufficient to determine the role of this variant in disease. Therefore, it has been classified as a Variant of Uncertain Significance.

NM_006736.6(DNAJB2):c.767A>T (p.Gln256Leu)

Gene: DNAJB2 (DnaJ heat shock protein family (Hsp40) member B2; plus strand). Cytogenetic location: 2q35.
Variant type: single nucleotide variant.
Coding change: c.767A>T on transcript NM_006736.6 (MANE Select); coding-DNA position 767, A replaced by T.
Protein change: p.Gln256Leu; replaces glutamine 256 with leucine.
Molecular consequence: missense variant.
Genome position (GRCh38, 1-based): chr2:219,284,779, A>T. VCF-style: chr2-219284779-A-T. GRCh37 (hg19) VCF-style: chr2-220149501-A-T.
Other names: c.767A>T, p.Gln256Leu (NM_001039550.2); short protein forms Q256L.
Identifiers: ClinVar variation 3713242 (VCV003713242.2).